The following is an entry in ClinVar:

ClinVar aggregate classification (germline): Pathogenic. Review status: criteria provided, multiple submitters, no conflicts (2 of 4 stars). 19 submissions from 19 submitters: Pathogenic (16). 3 of the submissions do not count toward it. Last evaluated 2026-06-19.

Conditions:
SMPD1-related disorder. Also called: SMPD1-related condition.
Inborn genetic diseases. Identifiers: MedGen C0950123, MeSH D030342.
Niemann-Pick disease, type A. Also called: Infantile Neurovisceral ASMD (Niemann-Pick Disease Type A; NPD-A); SPHINGOMYELIN LIPIDOSIS; SPHINGOMYELINASE DEFICIENCY. Identifiers: Orphanet 77292, MedGen C0268242, MONDO:0009756, OMIM 257200. Disease mechanism: loss of function.
Niemann-Pick disease, type B. Also called: Chronic Visceral ASMD (Niemann-Pick Disease Type B; NPD-B). Identifiers: Orphanet 77293, MedGen C0268243, MONDO:0011871, OMIM 607616. Disease mechanism: loss of function.
Sphingomyelin/cholesterol lipidosis. Also called: Niemann-Pick disease. Identifiers: MedGen C0028064, MONDO:0001982.

Allele frequency attached by ClinVar (database versions not stated): gnomAD 0.00010; TOPMed 0.00007; ExAC 0.00012.

Submissions 1 to 11 of 19:

PreventionGenetics, part of Exact Sciences
Classification: Pathogenic for SMPD1-related condition. Last evaluated: 2026-06-19. Review status: criteria provided, single submitter. Criteria: ACMG Guidelines, 2015. Collection method: clinical testing. Allele origin: germline.
Comment: The SMPD1 c.1493G>T variant is predicted to result in the amino acid substitution p.Arg498Leu. This variant has been reported in individuals with Niemann-Pick disease type A (referred to as R496L, Levran et al. 1991. PubMed ID: 2023926). This variant is reported to be one of three variants that account for approximately 90% of pathogenic alleles in individuals of Ashkenazi Jewish ancestry (Wasserstein and Schuchman et al. 2021. PubMed ID: 20301544). In vitro, in situ, and in vivo experimental studies indicate that this variant almost completely abolishes the enzyme activity of the SMPD1 protein (referred to as R496L, Jones et al 2008. PubMed ID: 18815062). This variant is reported in 0.28% of alleles in individuals of Ashkenazi Jewish descent in gnomAD, but is not observed in individuals of non-Ashkenazi Jewish ancestry. Alternate nucleotide changes affecting the same amino acid (p.Arg498Cys, p.Arg498His, and p.Arg498Pro) have been reported in individuals with Niemann-Pick disease type A (Simonaro et al. 2002. PubMed ID: 12369017; Ricci et al. 2004. PubMed ID: 15221801; Hu et al. 2021. PubMed ID: 33675270). The c.1493G>T (p.Arg498Leu) variant is interpreted as pathogenic.

Labcorp Genetics (formerly Invitae), Labcorp
Classification: Pathogenic for Niemann-Pick disease, type B; Niemann-Pick disease, type A. Last evaluated: 2025-12-27. Review status: criteria provided, single submitter. Criteria: Invitae Variant Classification Sherloc (09022015). Collection method: clinical testing. Allele origin: germline.
Comment: This sequence change replaces arginine, which is basic and polar, with leucine, which is neutral and non-polar, at codon 498 of the SMPD1 protein (p.Arg498Leu). This variant is present in population databases (rs120074117, gnomAD 0.3%). This missense change has been observed in individual(s) with Niemann-Pick disease types A and B (PMID: 1391960, 1885770, 2023926). In at least one individual the data is consistent with being in trans (on the opposite chromosome) from a pathogenic variant. It is commonly reported in individuals of Ashkenazi Jewish ancestry (PMID: 1391960, 1885770, 2023926). This variant is also known as R496L. ClinVar contains an entry for this variant (Variation ID: 2980). Invitae Evidence Modeling of protein sequence and biophysical properties (such as structural, functional, and spatial information, amino acid conservation, physicochemical variation, residue mobility, and thermodynamic stability) indicates that this missense variant is expected to disrupt SMPD1 protein function with a positive predictive value of 95%. Experimental studies have shown that this missense change affects SMPD1 function (PMID: 1391960, 18815062). For these reasons, this variant has been classified as Pathogenic.

Dasa
Classification: Pathogenic. Last evaluated: 2025-12-16. Review status: criteria provided, single submitter. Criteria: DASA Assertion Criteria. Collection method: clinical testing. Allele origin: germline.
Comment: NM_000543.5(SMPD1):c.1493G>T (p.Arg498Leu) is a missense variant that results in the substitution of arginine with leucine. The affected residue or protein region has prior evidence supporting clinical relevance. Segregation evidence has been reported in affected families. This variant has been observed in affected individuals with related phenotype in a genotype context consistent with recessive disease (PMID: 2023926; PMID: 29995201; PMID: 15221801; PMID: 18815062; PMID: 12369017). Functional evidence supports a deleterious effect on the gene or gene product (PMID: 2023926; PMID: 29995201; PMID: 15221801; PMID: 18815062; PMID: 12369017). This variant has been recurrently observed in individuals with related phenotype (PMID: 2023926; PMID: 29995201; PMID: 15221801; PMID: 18815062; PMID: 12369017). Multiple computational predictions support a deleterious effect on the gene or gene product. The variant is present at low frequency in population datasets. Based on the available data, this variant is classified as pathogenic.

Natera, Inc.
Classification: Pathogenic for Niemann-Pick Disease, Types A/B. Last evaluated: 2025-08-31. Review status: criteria provided, single submitter. Criteria: Natera Variant Classification Schema (03/2026). Collection method: clinical testing. Allele origin: germline.
Comment: The c.1493G>T variant in SMPD1 is a missense variant predicted to cause substitution of arginine to leucine at amino acid 498. This variant has been observed in one or more individuals affected with the associated recessive disease, as either homozygous or compound heterozygous with a second variant (PMID: 2023926, 15221801, 15241805). Given the available evidence, this variant is classified as Pathogenic.

Blueprint Genetics
Classification: Pathogenic for SMPD1-related disorders. Last evaluated: 2024-07-01. Review status: criteria provided, single submitter. Criteria: ACMG Guidelines, 2015. Collection method: clinical testing. Allele origin: germline. Affected: yes. Observed: 5 variant alleles.

Revvity Omics, Revvity
Classification: Pathogenic. Last evaluated: 2024-06-17. Review status: criteria provided, single submitter. Criteria: ACMG Guidelines, 2015. Collection method: clinical testing. Allele origin: germline.

Fulgent Genetics
Classification: Pathogenic for Niemann-Pick disease, type A; Niemann-Pick disease, type B. Last evaluated: 2024-05-24. Review status: criteria provided, single submitter. Criteria: ACMG Guidelines, 2015. Collection method: clinical testing. Allele origin: germline.

Baylor Genetics
Classification: Pathogenic for Niemann-Pick disease, type A. Last evaluated: 2024-03-21. Review status: criteria provided, single submitter. Criteria: ACMG Guidelines, 2015. Collection method: clinical testing. Allele origin: unknown.

Department of Pathology and Laboratory Medicine, Sinai Health System
Classification: Pathogenic for Niemann-Pick disease, type A; Niemann-Pick disease, type B. Last evaluated: 2022-08-08. Review status: criteria provided, single submitter. Criteria: ACMG Guidelines, 2015. Collection method: research. Allele origin: germline.

Ambry Genetics
Classification: Pathogenic for Inborn genetic diseases. Last evaluated: 2021-06-29. Review status: criteria provided, single submitter. Criteria: Ambry Variant Classification Scheme 2023. Collection method: clinical testing. Allele origin: germline.
Comment: The c.1493G>T (p.R498L) alteration is located in exon 6 (coding exon 6) of the SMPD1 gene. This alteration results from a G to T substitution at nucleotide position 1493, causing the arginine (R) at amino acid position 498 to be replaced by a leucine (L). Based on data from the Genome Aggregation Database (gnomAD) database, the SMPD1 c.1493G>T alteration was observed in 0.01% (36/282454) of total alleles studied, with a frequency of 0.28% (29/10346) in the Ashkenazi Jewish subpopulation. This mutation (also referred to as p.R496L) has been reported in the homozygous and compound heterozygous states in patients with SMPD1-related Niemann-Pick disease and is a common mutation in the Ashkenazi Jewish population (Levran, 1991; Ricci, 2004; Cox, 2018). Other alterations at this amino acid position have also been reported in affected patients (Simonaro, 2002; Ricci, 2004). Functional studies demonstrated reduced enzymatic activity in patient fibroblasts and transgenic mice with this mutation (Jones, 2008). The p.R498L alteration is predicted to be deleterious by in silico analysis. Based on the available evidence, this alteration is classified as pathogenic.

GeneDx
Classification: Pathogenic. Last evaluated: 2020-06-29. Review status: criteria provided, single submitter. Criteria: GeneDx Variant Classification Process June 2021. Collection method: clinical testing. Allele origin: germline. Affected: yes.
Comment: Common pathogenic variant in Ashkenazi Jewish patients with neuronopathic acid sphingomyelinase deficiency, also known as Niemann-Pick disease, type A (Levran et al., 1991); Functional studies found R498L is associated with less than 2% of wild-type enzyme activity (Jones et al., 2008); In silico analysis supports that this missense variant has a deleterious effect on protein structure/function; This variant is associated with the following publications: (PMID: 1885770, 18815062, 21228398, 2023926, 15221801, 26169695, 30153451, 21502868, 1391960, 26320887)

NM_000543.5(SMPD1):c.1493G>T (p.Arg498Leu)

Genes: APBB1 (amyloid beta precursor protein binding family B member 1; minus strand), SMPD1 (sphingomyelin phosphodiesterase 1; plus strand). Cytogenetic location: 11p15.4.
Variant type: single nucleotide variant.
Coding change: c.1493G>T on transcript NM_000543.5 (MANE Select); coding-DNA position 1493, G replaced by T.
Protein change: p.Arg498Leu; replaces arginine 498 with leucine.
Molecular consequence: missense variant. On other transcripts: non-coding transcript variant (2).
Genome position (GRCh38, 1-based): chr11:6,394,204, G>T. VCF-style: chr11-6394204-G-T. GRCh37 (hg19) VCF-style: chr11-6415434-G-T.
Other names: R496L; c.1490G>T, p.Arg497Leu (NM_001007593.3); c.1513G>T, p.Val505Leu (NM_001318087.2); c.572G>T, p.Arg191Leu (NM_001318088.2); c.1361G>T, p.Arg454Leu (NM_001365135.2); short protein forms R498L, R191L, R454L, R497L, V505L.
Identifiers: ClinVar variation 2980 (VCV000002980.63), dbSNP rs120074117, ClinGen allele CA252505.